The following is an entry in ClinVar:

NM_001127453.2(GSDME):c.980T>G (p.Leu327Arg)

Gene: GSDME (gasdermin E; minus strand). Cytogenetic location: 7p15.3.
Variant type: single nucleotide variant.
Coding change: c.980T>G on transcript NM_001127453.2 (MANE Select); coding-DNA position 980, T replaced by G.
Protein change: p.Leu327Arg; replaces leucine 327 with arginine.
Molecular consequence: missense variant.
Genome position (GRCh38, 1-based): chr7:24,708,137, A>C on the plus strand (T>G on the coding strand, the complement: GSDME is on the minus strand). VCF-style: chr7-24708137-A-C. GRCh37 (hg19) VCF-style: chr7-24747756-A-C.
Other names: c.488T>G, p.Leu163Arg (NM_001127454.2); c.980T>G, p.Leu327Arg (NM_004403.3); c.980T>G (NM_004403.2); short protein forms L327R, L163R.
Identifiers: ClinVar variation 2181030 (VCV002181030.7), dbSNP rs772165478, ClinGen allele CA4191485.
Genomic context (GRCh38, chr7:24,708,137, plus strand): 5'-TTCCAGAAAACCCCAGTGAAAACACTGCCTTGAGATGTCTCAGGGCTCACCACTGGTTCC[A>C]GGACCATGAGTAGTTCATCATCAAATAGGACCGCCTGGAAGATGTCACTCAAAGCTGTCT-3'
Protein context (NP_001120925.1, residues 317-337): VLFDDELLMV[Leu327Arg]EPVCDDLVSG

ClinVar aggregate classification (germline): Uncertain significance. Review status: criteria provided, multiple submitters, no conflicts (2 of 4 stars). 3 submissions from 3 submitters: Uncertain significance (3). Last evaluated 2025-12-01.

Conditions:
Inborn genetic diseases. Identifiers: MedGen C0950123, MeSH D030342.

gnomAD v4.1: 4 of 1,614,172 alleles (0.00025%); highest among the groups gnomAD compares: Non-Finnish European, 0.00034%; no homozygotes.

Submissions (3):

Labcorp Genetics (formerly Invitae), Labcorp
Classification: Uncertain significance. Last evaluated: 2025-12-01. Review status: criteria provided, single submitter. Criteria: Invitae Variant Classification Sherloc (09022015). Collection method: clinical testing. Allele origin: germline.
Comment: This sequence change replaces leucine, which is neutral and non-polar, with arginine, which is basic and polar, at codon 327 of the DFNA5 protein (p.Leu327Arg). This variant is present in population databases (rs772165478, gnomAD 0.0009%). This variant has not been reported in the literature in individuals affected with DFNA5-related conditions. ClinVar contains an entry for this variant (Variation ID: 2181030). Invitae Evidence Modeling of protein sequence and biophysical properties (such as structural, functional, and spatial information, amino acid conservation, physicochemical variation, residue mobility, and thermodynamic stability) indicates that this missense variant is expected to disrupt DFNA5 protein function with a positive predictive value of 80%. In summary, the available evidence is currently insufficient to determine the role of this variant in disease. Therefore, it has been classified as a Variant of Uncertain Significance.

Ambry Genetics
Classification: Uncertain significance for Inborn genetic diseases. Last evaluated: 2025-01-26. Review status: criteria provided, single submitter. Criteria: Ambry Variant Classification Scheme 2023. Collection method: clinical testing. Allele origin: germline.

Blueprint Genetics
Classification: Uncertain significance. Last evaluated: 2024-08-02. Review status: criteria provided, single submitter. Criteria: ACMG Guidelines, 2015. Collection method: clinical testing. Allele origin: germline.